The following is an entry in ClinVar:

NM_003664.5(AP3B1):c.754G>A (p.Ala252Thr)

Gene: AP3B1 (adaptor related protein complex 3 subunit beta 1; minus strand). Cytogenetic location: 5q14.1.
Variant type: single nucleotide variant.
Coding change: c.754G>A on transcript NM_003664.5 (MANE Select); coding-DNA position 754, G replaced by A.
Protein change: p.Ala252Thr; replaces alanine 252 with threonine.
Molecular consequence: missense variant.
Genome position (GRCh38, 1-based): chr5:78,216,087, C>T on the plus strand (G>A on the coding strand, the complement: AP3B1 is on the minus strand). VCF-style: chr5-78216087-C-T. GRCh37 (hg19) VCF-style: chr5-77511911-C-T.
Other names: c.607G>A, p.Ala203Thr (NM_001271769.2); c.754G>A, p.Ala252Thr (NM_001410752.1); short protein forms A203T, A252T.
Identifiers: ClinVar variation 2048114 (VCV002048114.4), dbSNP rs1745948853, ClinGen allele CA360190774.

ClinVar aggregate classification (germline): Uncertain significance (1 of 4 stars; one submission).

Conditions:
Hermansky-Pudlak syndrome 2 (HPS2). Also called: Platelet defects and oculocutaneous albinism. Identifiers: Orphanet 183678, Orphanet 79430, MedGen C1842362, MONDO:0011997, OMIM 608233.

Allele frequency attached by ClinVar (database versions not stated): gnomAD 0.00001.
gnomAD v4.1: 1 of 1,613,872 alleles (0.000062%); highest among the groups gnomAD compares: African/African-American, 0.0013%; no homozygotes.

Submission:

Labcorp Genetics (formerly Invitae), Labcorp
Classification: Uncertain significance for Hermansky-Pudlak syndrome 2. Last evaluated: 2021-12-19. Review status: criteria provided, single submitter. Criteria: Invitae Variant Classification Sherloc (09022015). Collection method: clinical testing. Allele origin: germline.
Comment: In summary, the available evidence is currently insufficient to determine the role of this variant in disease. Therefore, it has been classified as a Variant of Uncertain Significance. Algorithms developed to predict the effect of missense changes on protein structure and function are either unavailable or do not agree on the potential impact of this missense change (SIFT: "Deleterious"; PolyPhen-2: "Possibly Damaging"; Align-GVGD: "Class C0"). This variant has not been reported in the literature in individuals affected with AP3B1-related conditions. This variant is not present in population databases (gnomAD no frequency). This sequence change replaces alanine, which is neutral and non-polar, with threonine, which is neutral and polar, at codon 252 of the AP3B1 protein (p.Ala252Thr).